The following is an entry in ClinVar:

NM_003665.4(FCN3):c.750C>T (p.His250=)

Gene: FCN3 (ficolin 3; minus strand). Cytogenetic location: 1p36.11.
Variant type: single nucleotide variant.
Coding change: c.750C>T on transcript NM_003665.4 (MANE Select); coding-DNA position 750, C replaced by T.
Protein change: p.His250=; no amino-acid change (histidine 250 retained).
Molecular consequence: synonymous variant.
Genome position (GRCh38, 1-based): chr1:27,369,386, G>A on the plus strand (C>T on the coding strand, the complement: FCN3 is on the minus strand). VCF-style: chr1-27369386-G-A. GRCh37 (hg19) VCF-style: chr1-27695877-G-A.
Other names: c.717C>T, p.His239= (NM_173452.3).
Identifiers: ClinVar variation 710189 (VCV000710189.33), dbSNP rs28385652, ClinGen allele CA714207.

ClinVar aggregate classification (germline): Benign/Likely benign. Review status: criteria provided, multiple submitters, no conflicts (2 of 4 stars). 7 submissions from 7 submitters: Benign (2); Likely benign (3). 2 of the submissions do not count toward it. Last evaluated 2026-07-01.

Conditions:
Immunodeficiency due to ficolin3 deficiency. Also called: LECTIN COMPLEMENT ACTIVATION PATHWAY, DEFECT IN, 3; FICOLIN 3 DEFICIENCY; FCN3 DEFICIENCY. Identifiers: Orphanet 331190, MedGen C3151226, MONDO:0013467, OMIM 613860.

Allele frequency attached by ClinVar (database versions not stated): 1000 Genomes Project 0.00160; gnomAD 0.00249 and 0.00250; ESP Exome Variant Server 0.00261; TOPMed 0.00262; 1000 Genomes Project 30x 0.00281; ExAC 0.00294; gnomAD exomes 0.00322 and 0.00386.
gnomAD v4.1: 6,074 of 1,614,204 alleles (0.38%); highest among the groups gnomAD compares: Middle Eastern, 0.99%; 23 homozygotes.

Submissions (7):

CeGaT Center for Human Genetics Tuebingen
Classification: Likely benign. Last evaluated: 2026-07-01. Review status: criteria provided, single submitter. Criteria: CeGaT Center For Human Genetics Tuebingen Variant Classification Criteria Version 2. Collection method: clinical testing. Allele origin: germline. Affected: yes. Observed: 5 variant alleles.
Comment: FCN3: BP4, BP7, BS2

Blueprint Genetics
Classification: Likely benign. Last evaluated: 2024-11-22. Review status: criteria provided, single submitter. Criteria: ACMG Guidelines, 2015. Collection method: clinical testing. Allele origin: germline.

Fulgent Genetics
Classification: Likely benign for Immunodeficiency due to ficolin3 deficiency. Last evaluated: 2022-04-25. Review status: criteria provided, single submitter. Criteria: ACMG Guidelines, 2015. Collection method: clinical testing. Allele origin: unknown.

Labcorp Genetics (formerly Invitae), Labcorp
Classification: Benign. Last evaluated: 2018-06-14. Review status: criteria provided, single submitter. Criteria: Invitae Variant Classification Sherloc (09022015). Collection method: clinical testing. Allele origin: germline.

Breakthrough Genomics
Classification: Benign. Review status: criteria provided, single submitter. Criteria: ACMG Guidelines, 2015. Collection method: not provided. Allele origin: germline. Inheritance: Autosomal recessive inheritance. Affected: yes.

Clinical Genetics DNA and cytogenetics Diagnostics Lab, Erasmus MC, Erasmus Medical Center
Classification: Likely benign. Review status: no assertion criteria provided. Collection method: clinical testing. Allele origin: germline. Affected: yes. Study: VKGL Data-share Consensus. Not counted in ClinVar's aggregate classification.

Genome Diagnostics Laboratory, University Medical Center Utrecht
Classification: Likely benign. Review status: no assertion criteria provided. Collection method: clinical testing. Allele origin: germline. Affected: yes. Study: VKGL Data-share Consensus. Not counted in ClinVar's aggregate classification.